The following is an entry in ClinVar:

ClinVar aggregate classification (germline): Uncertain significance. Review status: criteria provided, multiple submitters, no conflicts (2 of 4 stars). 2 submissions from 2 submitters: Uncertain significance (2). Last evaluated 2025-08-12.

Conditions:
KSR2-related disorder. Also called: KSR2-related condition.

Allele frequency attached by ClinVar (database versions not stated): gnomAD 0.00003; TOPMed 0.00004.
gnomAD v4.1: 21 of 1,613,786 alleles (0.0013%); highest among the groups gnomAD compares: South Asian, 0.0055%; no homozygotes.

Submissions (2):

PreventionGenetics, part of Exact Sciences
Classification: Uncertain significance for KSR2-related condition. Last evaluated: 2025-08-12. Review status: criteria provided, single submitter. Criteria: ACMG Guidelines, 2015. Collection method: clinical testing. Allele origin: germline.
Comment: The KSR2 c.247G>A variant is predicted to result in the amino acid substitution p.Gly83Ser. To our knowledge, this variant has not been reported in the literature. This variant is reported in 0.0065% of alleles in individuals of South Asian descent in gnomAD. At this time, the clinical significance of this variant is uncertain due to the absence of conclusive functional and genetic evidence.

Ambry Genetics
Classification: Uncertain significance. Last evaluated: 2022-08-16. Review status: criteria provided, single submitter. Criteria: Ambry Variant Classification Scheme 2023. Collection method: clinical testing. Allele origin: germline.

NM_173598.6(KSR2):c.334G>A (p.Gly112Ser)

Gene: KSR2 (kinase suppressor of ras 2; minus strand). Cytogenetic location: 12q24.23.
Variant type: single nucleotide variant.
Coding change: c.334G>A on transcript NM_173598.6 (MANE Select); coding-DNA position 334, G replaced by A.
Protein change: p.Gly112Ser; replaces glycine 112 with serine.
Molecular consequence: missense variant.
Genome position (GRCh38, 1-based): chr12:117,855,566, C>T on the plus strand (G>A on the coding strand, the complement: KSR2 is on the minus strand). VCF-style: chr12-117855566-C-T. GRCh37 (hg19) VCF-style: chr12-118293371-C-T.
Other names: short protein forms G112S.
Identifiers: ClinVar variation 2391613 (VCV002391613.4), dbSNP rs1173089162, ClinGen allele CA386938229.